The following is an entry in ClinVar:

ClinVar aggregate classification (germline): Uncertain significance (1 of 4 stars; one submission).

Submission:

Labcorp Genetics (formerly Invitae), Labcorp
Classification: Uncertain significance. Last evaluated: 2023-12-26. Review status: criteria provided, single submitter. Criteria: Invitae Variant Classification Sherloc (09022015). Collection method: clinical testing. Allele origin: germline.
Comment: This sequence change replaces proline, which is neutral and non-polar, with leucine, which is neutral and non-polar, at codon 40 of the GRM7 protein (p.Pro40Leu). This variant is not present in population databases (gnomAD no frequency). This variant has not been reported in the literature in individuals affected with GRM7-related conditions. An algorithm developed to predict the effect of missense changes on protein structure and function (PolyPhen-2) suggests that this variant is likely to be disruptive. In summary, the available evidence is currently insufficient to determine the role of this variant in disease. Therefore, it has been classified as a Variant of Uncertain Significance.

NM_000844.4(GRM7):c.119C>T (p.Pro40Leu)

Gene: GRM7 (glutamate metabotropic receptor 7; plus strand). Cytogenetic location: 3p26.1.
Variant type: single nucleotide variant.
Coding change: c.119C>T on transcript NM_000844.4 (MANE Select); coding-DNA position 119, C replaced by T.
Protein change: p.Pro40Leu; replaces proline 40 with leucine.
Molecular consequence: missense variant.
Genome position (GRCh38, 1-based): chr3:6,861,507, C>T. VCF-style: chr3-6861507-C-T. GRCh37 (hg19) VCF-style: chr3-6903194-C-T.
Other names: c.119C>T, p.Pro40Leu (NM_181874.3); short protein forms P40L.
Identifiers: ClinVar variation 2705602 (VCV002705602.3), dbSNP rs1694754156, ClinGen allele CA351796275.